The following is an entry in ClinVar:

ClinVar aggregate classification (germline): Uncertain significance (1 of 4 stars; one submission).

Conditions:
Hereditary cancer-predisposing syndrome. Also called: Neoplastic Syndromes, Hereditary; Tumor predisposition; Hereditary Cancer Syndrome; Hereditary neoplastic syndrome. Identifiers: Orphanet 140162, MedGen C0027672, MeSH D009386, MONDO:0015356.

Submission:

Ambry Genetics
Classification: Uncertain significance for Hereditary cancer-predisposing syndrome. Last evaluated: 2024-06-04. Review status: criteria provided, single submitter. Criteria: Ambry Variant Classification Scheme 2023. Collection method: clinical testing. Allele origin: germline.
Comment: The p.A613S variant (also known as c.1837G>T), located in coding exon 14 of the POLD1 gene, results from a G to T substitution at nucleotide position 1837. The alanine at codon 613 is replaced by serine, an amino acid with similar properties. This amino acid position is conserved. In addition, this alteration is predicted to be tolerated by in silico analysis. Since supporting evidence is limited at this time, the clinical significance of this alteration remains unclear.

NM_002691.4(POLD1):c.1837G>T (p.Ala613Ser)

Gene: POLD1 (DNA polymerase delta 1, catalytic subunit; plus strand). Cytogenetic location: 19q13.33.
Variant type: single nucleotide variant.
Coding change: c.1837G>T on transcript NM_002691.4 (MANE Select); coding-DNA position 1837, G replaced by T.
Protein change: p.Ala613Ser; replaces alanine 613 with serine.
Molecular consequence: missense variant. On other transcripts: non-coding transcript variant (1).
Genome position (GRCh38, 1-based): chr19:50,408,846, G>T. VCF-style: chr19-50408846-G-T. GRCh37 (hg19) VCF-style: chr19-50912103-G-T.
Other names: c.1837G>T, p.Ala613Ser (NM_001256849.1); c.1915G>T, p.Ala639Ser (NM_001308632.1); short protein forms A613S, A639S.
Identifiers: ClinVar variation 1781065 (VCV001781065.3), dbSNP rs1237089094, ClinGen allele CA406982061.
Genomic context (GRCh38, chr19:50,408,846, plus strand): 5'-TACTACGACGTCCCCATCGCCACCCTGGACTTCTCCTCGCTGTACCCGTCCATCATGATG[G>T]CCCACAACCTGTGTTACACCACGCTCCTTCGGCCCGGGACTGCACAGAAACTGGGGTATA-3'
Protein context (NP_002682.2, residues 603-623): FSSLYPSIMM[Ala613Ser]HNLCYTTLLR